The following is an entry in ClinVar:

ClinVar aggregate classification (germline): Uncertain significance (1 of 4 stars; one submission).

Conditions:
Long QT syndrome (LQTS). Identifiers: MedGen C0023976, MeSH D008133, MONDO:0002442. Disease mechanism: loss of function. Inheritance: Various modes of inheritance.

Submission:

Labcorp Genetics (formerly Invitae), Labcorp
Classification: Uncertain significance for Long QT syndrome. Last evaluated: 2024-03-06. Review status: criteria provided, single submitter. Criteria: Invitae Variant Classification Sherloc (09022015). Collection method: clinical testing. Allele origin: germline.
Comment: This sequence change replaces glycine, which is neutral and non-polar, with valine, which is neutral and non-polar, at codon 1031 of the KCNH2 protein (p.Gly1031Val). This variant is not present in population databases (gnomAD no frequency). This variant has not been reported in the literature in individuals affected with KCNH2-related conditions. An algorithm developed to predict the effect of missense changes on protein structure and function (PolyPhen-2) suggests that this variant is likely to be tolerated. In summary, the available evidence is currently insufficient to determine the role of this variant in disease. Therefore, it has been classified as a Variant of Uncertain Significance.

NM_000238.4(KCNH2):c.3092G>T (p.Gly1031Val)

Gene: KCNH2 (potassium voltage-gated channel subfamily H member 2; minus strand). Cytogenetic location: 7q36.1.
Variant type: single nucleotide variant.
Coding change: c.3092G>T on transcript NM_000238.4 (MANE Select); coding-DNA position 3092, G replaced by T.
Protein change: p.Gly1031Val; replaces glycine 1031 with valine.
Molecular consequence: missense variant. On other transcripts: non-coding transcript variant (2).
Genome position (GRCh38, 1-based): chr7:150,947,388, C>A on the plus strand (G>T on the coding strand, the complement: KCNH2 is on the minus strand). VCF-style: chr7-150947388-C-A. GRCh37 (hg19) VCF-style: chr7-150644476-C-A.
Other names: c.2804G>T, p.Gly935Val (NM_001406753.1); c.2072G>T, p.Gly691Val (NM_172057.3); short protein forms G691V, G935V, G1031V.
Identifiers: ClinVar variation 3644799 (VCV003644799.2).